The following is an entry in ClinVar:

ClinVar aggregate classification (germline): Uncertain significance (1 of 4 stars; one submission).

Conditions:
Meckel-Gruber syndrome. Also called: DYSENCEPHALIA SPLANCHNOCYSTICA; GRUBER SYNDROME; Dysencephalia splachnocystica. Identifiers: Orphanet 564, MedGen C0265215, MONDO:0018921.
Joubert syndrome. Also called: CEREBELLOPARENCHYMAL DISORDER IV; JOUBERT-BOLTSHAUSER SYNDROME; Familial aplasia of the vermis. Identifiers: Orphanet 475, MedGen C5979921, MONDO:0018772.

Submission:

Labcorp Genetics (formerly Invitae), Labcorp
Classification: Uncertain significance for Joubert syndrome; Meckel-Gruber syndrome. Last evaluated: 2022-07-27. Review status: criteria provided, single submitter. Criteria: Invitae Variant Classification Sherloc (09022015). Collection method: clinical testing. Allele origin: germline.
Comment: This sequence change replaces aspartic acid, which is acidic and polar, with glycine, which is neutral and non-polar, at codon 972 of the RPGRIP1L protein (p.Asp972Gly). This variant is not present in population databases (gnomAD no frequency). This variant has not been reported in the literature in individuals affected with RPGRIP1L-related conditions. Algorithms developed to predict the effect of missense changes on protein structure and function output the following: SIFT: "Tolerated"; PolyPhen-2: "Benign"; Align-GVGD: "Class C0". The glycine amino acid residue is found in multiple mammalian species, which suggests that this missense change does not adversely affect protein function. In summary, the available evidence is currently insufficient to determine the role of this variant in disease. Therefore, it has been classified as a Variant of Uncertain Significance.

NM_015272.5(RPGRIP1L):c.2915A>G (p.Asp972Gly)

Gene: RPGRIP1L (RPGRIP1 like; minus strand). Cytogenetic location: 16q12.2.
Variant type: single nucleotide variant.
Coding change: c.2915A>G on transcript NM_015272.5 (MANE Select); coding-DNA position 2915, A replaced by G.
Protein change: p.Asp972Gly; replaces aspartic acid 972 with glycine.
Molecular consequence: missense variant.
Genome position (GRCh38, 1-based): chr16:53,641,076, T>C on the plus strand (A>G on the coding strand, the complement: RPGRIP1L is on the minus strand). VCF-style: chr16-53641076-T-C. GRCh37 (hg19) VCF-style: chr16-53674988-T-C.
Other names: c.2915A>G, p.Asp972Gly (NM_001127897.4, NM_001308334.3, NM_001330538.2); short protein forms D972G.
Identifiers: ClinVar variation 1713972 (VCV001713972.6), dbSNP rs2544039157, ClinGen allele CA395927011.